The following is an entry in ClinVar:

ClinVar aggregate classification (germline): Uncertain significance. Review status: criteria provided, multiple submitters, no conflicts (2 of 4 stars). 3 submissions from 3 submitters: Uncertain significance (2). 1 of the submissions does not count toward it. Last evaluated 2026-01-12.

Conditions:
Inborn genetic diseases. Identifiers: MedGen C0950123, MeSH D030342.
TCIRG1-related disorder. Also called: TCIRG1-related condition.

Allele frequency attached by ClinVar (database versions not stated): TOPMed below 0.00001; gnomAD exomes 0.00001; ExAC 0.00002; gnomAD 0.00002.
gnomAD v4.1: 14 of 1,613,244 alleles (0.00087%); highest among the groups gnomAD compares: Admixed American, 0.0017%; no homozygotes.

Submissions (3):

Labcorp Genetics (formerly Invitae), Labcorp
Classification: Uncertain significance. Last evaluated: 2026-01-12. Review status: criteria provided, single submitter. Criteria: Invitae Variant Classification Sherloc (09022015). Collection method: clinical testing. Allele origin: germline.
Comment: This sequence change replaces aspartic acid, which is acidic and polar, with tyrosine, which is neutral and polar, at codon 700 of the TCIRG1 protein (p.Asp700Tyr). This variant is present in population databases (rs760982478, gnomAD 0.0009%). This variant has not been reported in the literature in individuals affected with TCIRG1-related conditions. ClinVar contains an entry for this variant (Variation ID: 1381800). Invitae Evidence Modeling of protein sequence and biophysical properties (such as structural, functional, and spatial information, amino acid conservation, physicochemical variation, residue mobility, and thermodynamic stability) indicates that this missense variant is not expected to disrupt TCIRG1 protein function with a negative predictive value of 80%. In summary, the available evidence is currently insufficient to determine the role of this variant in disease. Therefore, it has been classified as a Variant of Uncertain Significance.

Ambry Genetics
Classification: Uncertain significance for Inborn genetic diseases. Last evaluated: 2025-08-05. Review status: criteria provided, single submitter. Criteria: Ambry Variant Classification Scheme 2023. Collection method: clinical testing. Allele origin: germline.

PreventionGenetics, part of Exact Sciences
Classification: Uncertain significance for TCIRG1-related condition. Last evaluated: 2024-03-21. Review status: no assertion criteria provided. Collection method: clinical testing. Allele origin: germline. Not counted in ClinVar's aggregate classification.
Comment: The TCIRG1 c.2098G>T variant is predicted to result in the amino acid substitution p.Asp700Tyr. To our knowledge, this variant has not been reported in the literature. This variant is reported in 0.0018% of alleles in individuals of European (Non-Finnish) descent in gnomAD. At this time, the clinical significance of this variant is uncertain due to the absence of conclusive functional and genetic evidence.

NM_006019.4(TCIRG1):c.2098G>T (p.Asp700Tyr)

Gene: TCIRG1 (T cell immune regulator 1, ATPase H+ transporting V0 subunit a3; plus strand). Cytogenetic location: 11q13.2.
Variant type: single nucleotide variant.
Coding change: c.2098G>T on transcript NM_006019.4 (MANE Select); coding-DNA position 2098, G replaced by T.
Protein change: p.Asp700Tyr; replaces aspartic acid 700 with tyrosine.
Molecular consequence: missense variant.
Genome position (GRCh38, 1-based): chr11:68,050,046, G>T. VCF-style: chr11-68050046-G-T. GRCh37 (hg19) VCF-style: chr11-67817513-G-T.
Other names: c.1204G>T, p.Asp402Tyr (NM_001351059.2); c.1450G>T, p.Asp484Tyr (NM_006053.4); c.2098G>T (NM_006019.3); short protein forms D700Y, D402Y, D484Y.
Identifiers: ClinVar variation 1381800 (VCV001381800.9), dbSNP rs760982478, ClinGen allele CA6147381.